The following is an entry in ClinVar:

NM_178229.5(IQGAP3):c.28T>C (p.Trp10Arg)

Gene: IQGAP3 (IQ motif containing GTPase activating protein 3; minus strand). Cytogenetic location: 1q22.
Variant type: single nucleotide variant.
Coding change: c.28T>C on transcript NM_178229.5 (MANE Select); coding-DNA position 28, T replaced by C.
Protein change: p.Trp10Arg; replaces tryptophan 10 with arginine.
Molecular consequence: missense variant.
Genome position (GRCh38, 1-based): chr1:156,572,502, A>G on the plus strand (T>C on the coding strand, the complement: IQGAP3 is on the minus strand). VCF-style: chr1-156572502-A-G. GRCh37 (hg19) VCF-style: chr1-156542294-A-G.
Other names: short protein forms W10R.
Identifiers: ClinVar variation 3055968 (VCV003055968.2), dbSNP rs60225867, ClinGen allele CA1162144.

ClinVar aggregate classification (germline): Benign (0 of 4 stars; one submission).

Conditions:
IQGAP3-related disorder. Also called: IQGAP3-related condition.

Allele frequency attached by ClinVar (database versions not stated): gnomAD exomes 0.00584; ExAC 0.01976; gnomAD 0.06194; 1000 Genomes Project 0.06709; TOPMed 0.06867; ESP Exome Variant Server 0.07104; 1000 Genomes Project 30x 0.07199.
gnomAD v4.1: 18,257 of 1,611,516 alleles (1.1%); highest among the groups gnomAD compares: African/African-American, 22%; 1,819 homozygotes.

Submission:

PreventionGenetics, part of Exact Sciences
Classification: Benign for IQGAP3-related condition. Last evaluated: 2019-03-21. Review status: no assertion criteria provided. Collection method: clinical testing. Allele origin: germline.
Comment: This variant is classified as benign based on ACMG/AMP sequence variant interpretation guidelines (Richards et al. 2015 PMID: 25741868, with internal and published modifications).